The following is an entry in ClinVar:

ClinVar aggregate classification (germline): Uncertain significance (1 of 4 stars; one submission).

Conditions:
Vici syndrome (VICIS). Identifiers: Orphanet 1493, MedGen C1855772, MONDO:0009452, OMIM 242840.

Allele frequency attached by ClinVar (database versions not stated): gnomAD exomes below 0.00001 and 0.00001; gnomAD 0.00001; TOPMed 0.00001.
gnomAD v4.1: 3 of 1,614,008 alleles (0.00019%); highest among the groups gnomAD compares: East Asian, 0.0067%; no homozygotes.

Submission:

Labcorp Genetics (formerly Invitae), Labcorp
Classification: Uncertain significance for Vici syndrome. Last evaluated: 2021-09-01. Review status: criteria provided, single submitter. Criteria: Invitae Variant Classification Sherloc (09022015). Collection method: clinical testing. Allele origin: germline.
Comment: This sequence change replaces serine with phenylalanine at codon 2509 of the EPG5 protein (p.Ser2509Phe). The serine residue is moderately conserved and there is a large physicochemical difference between serine and phenylalanine. This variant is not present in population databases (ExAC no frequency). This variant has not been reported in the literature in individuals affected with EPG5-related conditions. Algorithms developed to predict the effect of missense changes on protein structure and function are either unavailable or do not agree on the potential impact of this missense change (SIFT: "Deleterious"; PolyPhen-2: "Possibly Damaging"; Align-GVGD: "Class C0"). In summary, the available evidence is currently insufficient to determine the role of this variant in disease. Therefore, it has been classified as a Variant of Uncertain Significance.

NM_020964.3(EPG5):c.7526C>T (p.Ser2509Phe)

Gene: EPG5 (ectopic P-granules 5 autophagy tethering factor; minus strand). Cytogenetic location: 18q12.3.
Variant type: single nucleotide variant.
Coding change: c.7526C>T on transcript NM_020964.3 (MANE Select); coding-DNA position 7526, C replaced by T.
Protein change: p.Ser2509Phe; replaces serine 2509 with phenylalanine.
Molecular consequence: missense variant.
Genome position (GRCh38, 1-based): chr18:45,855,604, G>A on the plus strand (C>T on the coding strand, the complement: EPG5 is on the minus strand). VCF-style: chr18-45855604-G-A. GRCh37 (hg19) VCF-style: chr18-43435569-G-A.
Other names: c.7526C>T, p.Ser2509Phe (LRG_1234t1); short protein forms S2509F.
Identifiers: ClinVar variation 647560 (VCV000647560.7), dbSNP rs1447140985, ClinGen allele CA402335582.
Genomic context (GRCh38, chr18:45,855,604, plus strand): 5'-ACTTCTAACCCTTCATTGTATATACTGACCTGCTGAGCTTTGGGGGTCAGATGTAATTCA[G>A]AGCCAGGCCTCAAACGGATCTGATCTTCCATAGGAACCTGAACTGAAAGGAAGGCAGCCA-3'
Protein context (NP_066015.2, residues 2499-2519): MEDQIRLRPG[Ser2509Phe]ELHLTPKAQQ